The following is an entry in ClinVar:

NM_152309.3(PIK3AP1):c.313G>T (p.Val105Leu)

Gene: PIK3AP1 (phosphoinositide-3-kinase adaptor protein 1; minus strand). Cytogenetic location: 10q24.1.
Variant type: single nucleotide variant.
Coding change: c.313G>T on transcript NM_152309.3 (MANE Select); coding-DNA position 313, G replaced by T.
Protein change: p.Val105Leu; replaces valine 105 with leucine.
Molecular consequence: missense variant.
Genome position (GRCh38, 1-based): chr10:96,709,684, C>A on the plus strand (G>T on the coding strand, the complement: PIK3AP1 is on the minus strand). VCF-style: chr10-96709684-C-A. GRCh37 (hg19) VCF-style: chr10-98469441-C-A.
Other names: short protein forms V105L.
Identifiers: ClinVar variation 969725 (VCV000969725.10), dbSNP rs766269268, ClinGen allele CA5626571.

ClinVar aggregate classification (germline): Uncertain significance. Review status: criteria provided, multiple submitters, no conflicts (2 of 4 stars). 2 submissions from 2 submitters: Uncertain significance (2). Last evaluated 2023-11-17.

Conditions:
Infantile spasms. Also called: Infantile spasm. Identifiers: MedGen C3887898, HP:0012469.

Allele frequency attached by ClinVar (database versions not stated): gnomAD 0.00001; TOPMed 0.00001; gnomAD exomes 0.00002; ExAC 0.00003.

Submissions (2):

Ambry Genetics
Classification: Uncertain significance. Last evaluated: 2023-11-17. Review status: criteria provided, single submitter. Criteria: Ambry Variant Classification Scheme 2023. Collection method: clinical testing. Allele origin: germline.

Labcorp Genetics (formerly Invitae), Labcorp
Classification: Uncertain significance for Infantile spasms. Last evaluated: 2019-10-18. Review status: criteria provided, single submitter. Criteria: Invitae Variant Classification Sherloc (09022015). Collection method: clinical testing. Allele origin: germline.
Comment: This sequence change replaces valine with leucine at codon 105 of the PIK3AP1 protein (p.Val105Leu). The valine residue is moderately conserved and there is a small physicochemical difference between valine and leucine. This variant is present in population databases (rs766269268, ExAC 0.05%). This variant has not been reported in the literature in individuals with PIK3AP1-related conditions. Algorithms developed to predict the effect of missense changes on protein structure and function are either unavailable or do not agree on the potential impact of this missense change (SIFT: "Tolerated"; PolyPhen-2: "Probably Damaging"; Align-GVGD: "Class C0"). In summary, the available evidence is currently insufficient to determine the role of this variant in disease. Therefore, it has been classified as a Variant of Uncertain Significance.